The following is an entry in ClinVar:

NM_198075.4(LRRC56):c.206G>A (p.Arg69Gln)

Gene: LRRC56 (leucine rich repeat containing 56; plus strand). Cytogenetic location: 11p15.5.
Variant type: single nucleotide variant.
Coding change: c.206G>A on transcript NM_198075.4 (MANE Select); coding-DNA position 206, G replaced by A.
Protein change: p.Arg69Gln; replaces arginine 69 with glutamine.
Molecular consequence: missense variant.
Genome position (GRCh38, 1-based): chr11:541,565, G>A. VCF-style: chr11-541565-G-A. GRCh37 (hg19) VCF-style: chr11-541565-G-A.
Other names: c.206G>A (NM_198075.3); short protein forms R69Q.
Identifiers: ClinVar variation 1546441 (VCV001546441.35), dbSNP rs142995604, ClinGen allele CA5779559.

ClinVar aggregate classification (germline): Benign/Likely benign. Review status: criteria provided, multiple submitters, no conflicts (2 of 4 stars). 5 submissions from 5 submitters: Benign (3); Likely benign (1). 1 of the submissions does not count toward it. Last evaluated 2026-01-26.

Conditions:
LRRC56-related disorder. Also called: LRRC56-related condition.

Allele frequency attached by ClinVar (database versions not stated): 1000 Genomes Project 0.00160; 1000 Genomes Project 30x 0.00187; ESP Exome Variant Server 0.00431.
gnomAD v4.1: 1,196 of 1,584,914 alleles (0.075%); highest among the groups gnomAD compares: African/African-American, 1.2%; 7 homozygotes.

Submissions (5):

Labcorp Genetics (formerly Invitae), Labcorp
Classification: Benign. Last evaluated: 2026-01-26. Review status: criteria provided, single submitter. Criteria: Invitae Variant Classification Sherloc (09022015). Collection method: clinical testing. Allele origin: germline.

Blueprint Genetics
Classification: Likely benign. Last evaluated: 2024-11-26. Review status: criteria provided, single submitter. Criteria: ACMG Guidelines, 2015. Collection method: clinical testing. Allele origin: germline.

CeGaT Center for Human Genetics Tuebingen
Classification: Benign. Last evaluated: 2023-06-01. Review status: criteria provided, single submitter. Criteria: CeGaT Center For Human Genetics Tuebingen Variant Classification Criteria Version 2. Collection method: clinical testing. Allele origin: germline. Affected: yes. Observed: 1 variant allele.
Comment: LRRC56: BP4, BS1, BS2

Breakthrough Genomics
Classification: Benign. Review status: criteria provided, single submitter. Criteria: ACMG Guidelines, 2015. Collection method: not provided. Allele origin: germline. Inheritance: Autosomal recessive inheritance. Affected: yes.

PreventionGenetics, part of Exact Sciences
Classification: Benign for LRRC56-related condition. Last evaluated: 2019-05-28. Review status: no assertion criteria provided. Collection method: clinical testing. Allele origin: germline. Not counted in ClinVar's aggregate classification.
Comment: This variant is classified as benign based on ACMG/AMP sequence variant interpretation guidelines (Richards et al. 2015 PMID: 25741868, with internal and published modifications).